The following is an entry in ClinVar:

NM_001177693.2(ARHGEF28):c.5048C>T (p.Pro1683Leu)

Gene: ARHGEF28 (Rho guanine nucleotide exchange factor 28; plus strand). Cytogenetic location: 5q13.2.
Variant type: single nucleotide variant.
Coding change: c.5048C>T on transcript NM_001177693.2 (MANE Select); coding-DNA position 5048, C replaced by T.
Protein change: p.Pro1683Leu; replaces proline 1683 with leucine.
Molecular consequence: missense variant.
Genome position (GRCh38, 1-based): chr5:73,940,943, C>T. VCF-style: chr5-73940943-C-T. GRCh37 (hg19) VCF-style: chr5-73236768-C-T.
Other names: c.5126C>T, p.Pro1709Leu (NM_001080479.3); c.4109C>T, p.Pro1370Leu (NM_001244364.2); c.4754C>T, p.Pro1585Leu (NM_001388076.1); short protein forms P1370L, P1683L, P1709L, P1585L.
Identifiers: ClinVar variation 2364558 (VCV002364558.5), dbSNP rs746487828, ClinGen allele CA3305477.
Genomic context (GRCh38, chr5:73,940,943, plus strand): 5'-ACTCAAATTCACACCGCCCTCAACTGCAGGCGTTTATAACAGAAGCAAAGCTAAATCTAC[C>T]GACAAGGACAATGACCAGACAAGATGGGGAAACTGGAGATGGAGCCAAAGAAAATATTGT-3'
Protein context (NP_001171164.1, residues 1673-1693): AFITEAKLNL[Pro1683Leu]TRTMTRQDGE

ClinVar aggregate classification (germline): Uncertain significance. Review status: criteria provided, single submitter (1 of 4 stars). 2 submissions from 2 submitters: Uncertain significance (1). 1 of the submissions does not count toward it. Last evaluated 2024-07-26.

Conditions:
ARHGEF28-related disorder. Also called: ARHGEF28-related condition.

Allele frequency attached by ClinVar (database versions not stated): ExAC 0.00014; gnomAD 0.00023; TOPMed 0.00024; gnomAD exomes 0.00027.
gnomAD v4.1: 405 of 1,534,356 alleles (0.026%); highest among the groups gnomAD compares: African/African-American, 0.03%; no homozygotes.

Submissions (2):

Ambry Genetics
Classification: Uncertain significance. Last evaluated: 2024-07-26. Review status: criteria provided, single submitter. Criteria: Ambry Variant Classification Scheme 2023. Collection method: clinical testing. Allele origin: germline.

PreventionGenetics, part of Exact Sciences
Classification: Likely benign for ARHGEF28-related condition. Last evaluated: 2023-11-21. Review status: no assertion criteria provided. Collection method: clinical testing. Allele origin: germline. Not counted in ClinVar's aggregate classification.
Comment: This variant is classified as likely benign based on ACMG/AMP sequence variant interpretation guidelines (Richards et al. 2015 PMID: 25741868, with internal and published modifications).